The following is an entry in ClinVar:

ClinVar aggregate classification (germline): Uncertain significance. Review status: criteria provided, multiple submitters, no conflicts (2 of 4 stars). 2 submissions from 2 submitters: Uncertain significance (2). Last evaluated 2021-12-15.

Conditions:
Cardiovascular phenotype. Identifiers: MedGen CN230736.
Long QT syndrome (LQTS). Identifiers: MedGen C0023976, MeSH D008133, MONDO:0002442. Disease mechanism: loss of function. Inheritance: Various modes of inheritance.

Allele frequency attached by ClinVar (database versions not stated): gnomAD 0.00001.
gnomAD v4.1: 1 of 1,610,798 alleles (0.000062%); highest among the groups gnomAD compares: African/African-American, 0.0013%; no homozygotes.

Submissions (2):

Labcorp Genetics (formerly Invitae), Labcorp
Classification: Uncertain significance for Long QT syndrome. Last evaluated: 2021-12-15. Review status: criteria provided, single submitter. Criteria: Invitae Variant Classification Sherloc (09022015). Collection method: clinical testing. Allele origin: germline.
Comment: Algorithms developed to predict the effect of missense changes on protein structure and function output the following: SIFT: "Tolerated"; PolyPhen-2: "Benign"; Align-GVGD: "Class C0". The glutamic acid amino acid residue is found in multiple mammalian species, which suggests that this missense change does not adversely affect protein function. In summary, the available evidence is currently insufficient to determine the role of this variant in disease. Therefore, it has been classified as a Variant of Uncertain Significance. This variant has not been reported in the literature in individuals affected with AKAP9-related conditions. This variant is not present in population databases (gnomAD no frequency). This sequence change replaces lysine, which is basic and polar, with glutamic acid, which is acidic and polar, at codon 1182 of the AKAP9 protein (p.Lys1182Glu).

Ambry Genetics
Classification: Uncertain significance for Cardiovascular phenotype. Last evaluated: 2020-08-25. Review status: criteria provided, single submitter. Criteria: Ambry Variant Classification Scheme 2023. Collection method: clinical testing. Allele origin: germline.
Comment: The p.K1182E variant (also known as c.3544A>G), located in coding exon 10 of the AKAP9 gene, results from an A to G substitution at nucleotide position 3544. The lysine at codon 1182 is replaced by glutamic acid, an amino acid with similar properties. This amino acid position is not well conserved in available vertebrate species, and glutamic acid is the reference amino acid in other vertebrate species. In addition, this alteration is predicted to be tolerated by in silico analysis. Since supporting evidence is limited at this time, the clinical significance of this alteration remains unclear.

NM_005751.5(AKAP9):c.3544A>G (p.Lys1182Glu)

Gene: AKAP9 (A-kinase anchoring protein 9; plus strand). Cytogenetic location: 7q21.2.
Variant type: single nucleotide variant.
Coding change: c.3544A>G on transcript NM_005751.5 (MANE Select); coding-DNA position 3544, A replaced by G.
Protein change: p.Lys1182Glu; replaces lysine 1182 with glutamic acid.
Molecular consequence: missense variant.
Genome position (GRCh38, 1-based): chr7:92,014,260, A>G. VCF-style: chr7-92014260-A-G. GRCh37 (hg19) VCF-style: chr7-91643574-A-G.
Other names: c.3544A>G, p.Lys1182Glu (NM_147185.3); short protein forms K1182E.
Identifiers: ClinVar variation 1429534 (VCV001429534.8), dbSNP rs1801192661, ClinGen allele CA368126344.